The following is an entry in ClinVar:

NM_004612.4(TGFBR1):c.1490A>G (p.Gln497Arg)

Gene: TGFBR1 (transforming growth factor beta receptor 1; plus strand). Cytogenetic location: 9q22.33.
Variant type: single nucleotide variant.
Coding change: c.1490A>G on transcript NM_004612.4 (MANE Select); coding-DNA position 1490, A replaced by G.
Protein change: p.Gln497Arg; replaces glutamine 497 with arginine.
Molecular consequence: missense variant. On other transcripts: non-coding transcript variant (4).
Genome position (GRCh38, 1-based): chr9:99,149,283, A>G. VCF-style: chr9-99149283-A-G. GRCh37 (hg19) VCF-style: chr9-101911565-A-G.
Other names: c.1259A>G, p.Gln420Arg (NM_001130916.3, NM_001407435.1); c.1502A>G, p.Gln501Arg (NM_001306210.2); c.1334A>G, p.Gln445Arg (NM_001407416.1); c.1322A>G, p.Gln441Arg (NM_001407417.1); c.1295A>G, p.Gln432Arg (NM_001407418.1, NM_001407419.1, NM_001407420.1 and 1 more transcripts); c.1283A>G, p.Gln428Arg (NM_001407423.1, NM_001407424.1, NM_001407425.1 and 8 more transcripts); c.1244A>G, p.Gln415Arg (NM_001407436.1); c.782A>G, p.Gln261Arg (NM_001407437.1); and 1 more; short protein forms Q338R, Q428R, Q441R, Q501R, Q415R, Q432R, Q261R, Q420R.
Identifiers: ClinVar variation 3651680 (VCV003651680.2).
Genomic context (GRCh38, chr9:99,149,283, plus strand): 5'-CCAATGGAGCAGCTAGGCTTACAGCATTGCGGATTAAGAAAACATTATCGCAACTCAGTC[A>G]ACAGGAAGGCATCAAAATGTAATTCTACAGCTTTGCCTGAACTCTCCTTTTTTCTTCAGA-3'
Protein context (NP_004603.1, residues 487-503): RIKKTLSQLS[Gln497Arg]QEGIKM

ClinVar aggregate classification (germline): Uncertain significance (1 of 4 stars; one submission).

Conditions:
Familial thoracic aortic aneurysm and aortic dissection (TAAD). Also called: Thoracic aortic aneurysms and dissections. Identifiers: Orphanet 91387, MedGen C4707243, MONDO:0019625.

Submission:

Labcorp Genetics (formerly Invitae), Labcorp
Classification: Uncertain significance for Familial thoracic aortic aneurysm and aortic dissection. Last evaluated: 2024-04-30. Review status: criteria provided, single submitter. Criteria: Invitae Variant Classification Sherloc (09022015). Collection method: clinical testing. Allele origin: germline.
Comment: This sequence change replaces glutamine, which is neutral and polar, with arginine, which is basic and polar, at codon 497 of the TGFBR1 protein (p.Gln497Arg). This variant is not present in population databases (gnomAD no frequency). This variant has not been reported in the literature in individuals affected with TGFBR1-related conditions. Advanced modeling of protein sequence and biophysical properties (such as structural, functional, and spatial information, amino acid conservation, physicochemical variation, residue mobility, and thermodynamic stability) performed at Invitae indicates that this missense variant is not expected to disrupt TGFBR1 protein function with a negative predictive value of 80%. In summary, the available evidence is currently insufficient to determine the role of this variant in disease. Therefore, it has been classified as a Variant of Uncertain Significance.